The following is an entry in ClinVar:

NM_001126108.2(SLC12A3):c.2842A>T (p.Lys948Ter)

Gene: SLC12A3 (solute carrier family 12 member 3; plus strand). Cytogenetic location: 16q13.
Variant type: single nucleotide variant.
Coding change: c.2842A>T on transcript NM_001126108.2 (MANE Select); coding-DNA position 2842, A replaced by T.
Protein change: p.Lys948Ter; replaces lysine 948 with a stop codon.
Molecular consequence: nonsense.
Genome position (GRCh38, 1-based): chr16:56,902,494, A>T. VCF-style: chr16-56902494-A-T. GRCh37 (hg19) VCF-style: chr16-56936406-A-T.
Other names: c.2869A>T, p.Lys957Ter (NM_000339.3); c.2866A>T, p.Lys956Ter (NM_001126107.2); short protein forms K957*, K956*, K948*.
Identifiers: ClinVar variation 933654 (VCV000933654.18), dbSNP rs1244866304, ClinGen allele CA396001534.

ClinVar aggregate classification (germline): Pathogenic. Review status: criteria provided, multiple submitters, no conflicts (2 of 4 stars). 6 submissions from 6 submitters: Pathogenic (6). Last evaluated 2024-05-17.

Conditions:
SLC12A3-related disorder. Also called: SLC12A3-related condition.
Familial hypokalemia-hypomagnesemia (GTLMNS). Also called: POTASSIUM AND MAGNESIUM DEPLETION; gitelman syndrome; HYPOMAGNESEMIA-HYPOKALEMIA, PRIMARY RENOTUBULAR, WITH HYPOCALCIURIA. Identifiers: Orphanet 358, MedGen C0268450, MONDO:0009904, OMIM 263800.

Allele frequency attached by ClinVar (database versions not stated): TOPMed below 0.00001; gnomAD 0.00001.
gnomAD v4.1: 1 of 1,601,408 alleles (0.000062%); highest among the groups gnomAD compares: Middle Eastern, 0.017%; no homozygotes.

Submissions (6):

Blueprint Genetics
Classification: Pathogenic for SLC12A3-related disorders. Last evaluated: 2024-05-17. Review status: criteria provided, single submitter. Criteria: ACMG Guidelines, 2015. Collection method: clinical testing. Allele origin: germline. Affected: yes. Observed: 3 variant alleles.

Genomic Medicine Center of Excellence, King Faisal Specialist Hospital and Research Centre
Classification: Pathogenic for Familial hypokalemia-hypomagnesemia. Last evaluated: 2024-04-04. Review status: criteria provided, single submitter. Criteria: ACMG Guidelines, 2015. Collection method: clinical testing. Allele origin: germline.

Fulgent Genetics
Classification: Pathogenic for Familial hypokalemia-hypomagnesemia. Last evaluated: 2024-03-13. Review status: criteria provided, single submitter. Criteria: ACMG Guidelines, 2015. Collection method: clinical testing. Allele origin: germline.

Labcorp Genetics (formerly Invitae), Labcorp
Classification: Pathogenic. Last evaluated: 2023-02-22. Review status: criteria provided, single submitter. Criteria: Invitae Variant Classification Sherloc (09022015). Collection method: clinical testing. Allele origin: germline.
Comment: For these reasons, this variant has been classified as Pathogenic. ClinVar contains an entry for this variant (Variation ID: 933654). This variant is not present in population databases (gnomAD no frequency). This premature translational stop signal has been observed in individual(s) with clinical features of Gitelman syndrome (PMID: 22009145). This sequence change creates a premature translational stop signal (p.Lys957*) in the SLC12A3 gene. It is expected to result in an absent or disrupted protein product. Loss-of-function variants in SLC12A3 are known to be pathogenic (PMID: 20848653, 22009145, 25841442).

GeneDx
Classification: Pathogenic. Last evaluated: 2022-03-25. Review status: criteria provided, single submitter. Criteria: GeneDx Variant Classification Process June 2021. Collection method: clinical testing. Allele origin: germline. Affected: yes.
Comment: Nonsense variant predicted to result in protein truncation or nonsense mediated decay in a gene for which loss-of-function is a known mechanism of disease; Not observed in large population cohorts (gnomAD); This variant is associated with the following publications: (PMID: 22009145, Karaahmetoglu2022[paper], 35235730)

Genome-Nilou Lab
Classification: Pathogenic for Familial hypokalemia-hypomagnesemia. Last evaluated: 2021-07-15. Review status: criteria provided, single submitter. Criteria: ACMG Guidelines, 2015. Collection method: clinical testing. Allele origin: germline. Affected: no.

Literature cited by the submitters: PubMed 22009145 (cited by Labcorp Genetics (formerly Invitae), Labcorp); PubMed 20848653 (cited by Labcorp Genetics (formerly Invitae), Labcorp); PubMed 25841442 (cited by Labcorp Genetics (formerly Invitae), Labcorp).